The following is an entry in ClinVar:

NM_001364905.1(LRBA):c.4247T>G (p.Val1416Gly)

Gene: LRBA (LPS responsive beige-like anchor protein; minus strand). Cytogenetic location: 4q31.3.
Variant type: single nucleotide variant.
Coding change: c.4247T>G on transcript NM_001364905.1 (MANE Select); coding-DNA position 4247, T replaced by G.
Protein change: p.Val1416Gly; replaces valine 1416 with glycine.
Molecular consequence: missense variant.
Genome position (GRCh38, 1-based): chr4:150,848,910, A>C on the plus strand (T>G on the coding strand, the complement: LRBA is on the minus strand). VCF-style: chr4-150848910-A-C. GRCh37 (hg19) VCF-style: chr4-151770062-A-C.
Other names: c.4247T>G, p.Val1416Gly (NM_001199282.3, NM_001367550.1, NM_006726.5); short protein forms V1416G.
Identifiers: ClinVar variation 3291216 (VCV003291216.3).

ClinVar aggregate classification (germline): Uncertain significance. Review status: criteria provided, multiple submitters, no conflicts (2 of 4 stars). 2 submissions from 2 submitters: Uncertain significance (2). Last evaluated 2024-04-09.

Conditions:
Inborn genetic diseases. Identifiers: MedGen C0950123, MeSH D030342.
Combined immunodeficiency due to LRBA deficiency. Also called: Common variable immunodeficiency 8, with autoimmunity. Identifiers: Orphanet 445018, MedGen C3553512, MONDO:0013863, OMIM 614700.

Submissions (2):

Ambry Genetics
Classification: Uncertain significance for Inborn genetic diseases. Last evaluated: 2024-04-09. Review status: criteria provided, single submitter. Criteria: Ambry Variant Classification Scheme 2023. Collection method: clinical testing. Allele origin: germline.

Labcorp Genetics (formerly Invitae), Labcorp
Classification: Uncertain significance for Combined immunodeficiency due to LRBA deficiency. Last evaluated: 2024-03-31. Review status: criteria provided, single submitter. Criteria: Invitae Variant Classification Sherloc (09022015). Collection method: clinical testing. Allele origin: germline.
Comment: This sequence change replaces valine, which is neutral and non-polar, with glycine, which is neutral and non-polar, at codon 1416 of the LRBA protein (p.Val1416Gly). This variant is not present in population databases (gnomAD no frequency). This variant has not been reported in the literature in individuals affected with LRBA-related conditions. Advanced modeling of protein sequence and biophysical properties (such as structural, functional, and spatial information, amino acid conservation, physicochemical variation, residue mobility, and thermodynamic stability) performed at Invitae indicates that this missense variant is expected to disrupt LRBA protein function with a positive predictive value of 80%. In summary, the available evidence is currently insufficient to determine the role of this variant in disease. Therefore, it has been classified as a Variant of Uncertain Significance.